The following is an entry in ClinVar:

NM_058163.3(TSR2):c.82A>G (p.Ile28Val)

Gene: TSR2 (TSR2 ribosome maturation factor; plus strand). Cytogenetic location: Xp11.22.
Variant type: single nucleotide variant.
Coding change: c.82A>G on transcript NM_058163.3 (MANE Select); coding-DNA position 82, A replaced by G.
Protein change: p.Ile28Val; replaces isoleucine 28 with valine.
Molecular consequence: missense variant. On other transcripts: 5 prime UTR variant (2), intron variant (1).
Genome position (GRCh38, 1-based): chrX:54,440,690, A>G. VCF-style: chrX-54440690-A-G. GRCh37 (hg19) VCF-style: chrX-54467123-A-G.
Other names: c.82A>G, p.Ile28Val (NM_001346789.2); c.-306A>G (NM_001346790.2); c.-315A>G (NM_001346791.2); c.-114+188A>G (NM_001346792.2); short protein forms I28V.
Identifiers: ClinVar variation 2798751 (VCV002798751.3), dbSNP rs2522669907, ClinGen allele CA413356511.

ClinVar aggregate classification (germline): Uncertain significance (1 of 4 stars; one submission).

Submission:

Labcorp Genetics (formerly Invitae), Labcorp
Classification: Uncertain significance. Last evaluated: 2023-11-07. Review status: criteria provided, single submitter. Criteria: Invitae Variant Classification Sherloc (09022015). Collection method: clinical testing. Allele origin: germline.
Comment: This sequence change replaces isoleucine, which is neutral and non-polar, with valine, which is neutral and non-polar, at codon 28 of the TSR2 protein (p.Ile28Val). This variant is not present in population databases (gnomAD no frequency). This variant has not been reported in the literature in individuals affected with TSR2-related conditions. An algorithm developed to predict the effect of missense changes on protein structure and function (PolyPhen-2) suggests that this variant is likely to be tolerated. In summary, the available evidence is currently insufficient to determine the role of this variant in disease. Therefore, it has been classified as a Variant of Uncertain Significance.